The following is an entry in ClinVar:

ClinVar aggregate classification (germline): Uncertain significance. Review status: criteria provided, multiple submitters, no conflicts (2 of 4 stars). 3 submissions from 3 submitters: Uncertain significance (3). Last evaluated 2024-10-15.

Conditions:
Inborn genetic diseases. Identifiers: MedGen C0950123, MeSH D030342.
PHGDH deficiency. Identifiers: Orphanet 79351, MedGen C1866174, MONDO:0011152, OMIM 601815.

Allele frequency attached by ClinVar (database versions not stated): gnomAD exomes below 0.00001; gnomAD 0.00005; TOPMed 0.00016; 1000 Genomes Project 0.00020; 1000 Genomes Project 30x 0.00031.
gnomAD v4.1: 14 of 1,614,218 alleles (0.00087%); highest among the groups gnomAD compares: Admixed American, 0.015%; no homozygotes.

Submissions (3):

Labcorp Genetics (formerly Invitae), Labcorp
Classification: Uncertain significance for PHGDH deficiency. Last evaluated: 2024-10-15. Review status: criteria provided, single submitter. Criteria: Invitae Variant Classification Sherloc (09022015). Collection method: clinical testing. Allele origin: germline.
Comment: This sequence change replaces alanine, which is neutral and non-polar, with glycine, which is neutral and non-polar, at codon 126 of the PHGDH protein (p.Ala126Gly). This variant is present in population databases (rs148897319, gnomAD 0.003%). This variant has not been reported in the literature in individuals affected with PHGDH-related conditions. ClinVar contains an entry for this variant (Variation ID: 2198385). Invitae Evidence Modeling of protein sequence and biophysical properties (such as structural, functional, and spatial information, amino acid conservation, physicochemical variation, residue mobility, and thermodynamic stability) has been performed for this missense variant. However, the output from this modeling did not meet the statistical confidence thresholds required to predict the impact of this variant on PHGDH protein function. In summary, the available evidence is currently insufficient to determine the role of this variant in disease. Therefore, it has been classified as a Variant of Uncertain Significance.

GeneDx
Classification: Uncertain significance. Last evaluated: 2024-08-06. Review status: criteria provided, single submitter. Criteria: GeneDx Variant Classification Process June 2021. Collection method: clinical testing. Allele origin: germline. Affected: yes.
Comment: Not observed at significant frequency in large population cohorts (gnomAD); In silico analysis supports that this missense variant has a deleterious effect on protein structure/function; Has not been previously published as pathogenic or benign to our knowledge

Ambry Genetics
Classification: Uncertain significance for Inborn genetic diseases. Last evaluated: 2024-04-09. Review status: criteria provided, single submitter. Criteria: Ambry Variant Classification Scheme 2023. Collection method: clinical testing. Allele origin: germline.

NM_006623.4(PHGDH):c.377C>G (p.Ala126Gly)

Gene: PHGDH (phosphoglycerate dehydrogenase; plus strand). Cytogenetic location: 1p12.
Variant type: single nucleotide variant.
Coding change: c.377C>G on transcript NM_006623.4 (MANE Select); coding-DNA position 377, C replaced by G.
Protein change: p.Ala126Gly; replaces alanine 126 with glycine.
Molecular consequence: missense variant.
Genome position (GRCh38, 1-based): chr1:119,726,871, C>G. VCF-style: chr1-119726871-C-G. GRCh37 (hg19) VCF-style: chr1-120269494-C-G.
Other names: c.377C>G (NM_006623.3); short protein forms A126G.
Identifiers: ClinVar variation 2198385 (VCV002198385.4), dbSNP rs148897319, ClinGen allele CA1037068.